The following is an entry in ClinVar:

NM_145331.3(MAP3K7):c.576T>A (p.Ser192Arg)

Gene: MAP3K7 (mitogen-activated protein kinase kinase kinase 7; minus strand). Cytogenetic location: 6q15.
Variant type: single nucleotide variant.
Coding change: c.576T>A on transcript NM_145331.3 (MANE Select); coding-DNA position 576, T replaced by A.
Protein change: p.Ser192Arg; replaces serine 192 with arginine.
Molecular consequence: missense variant.
Genome position (GRCh38, 1-based): chr6:90,556,531, A>T on the plus strand (T>A on the coding strand, the complement: MAP3K7 is on the minus strand). VCF-style: chr6-90556531-A-T. GRCh37 (hg19) VCF-style: chr6-91266250-A-T.
Other names: c.576T>A, p.Ser192Arg (NM_003188.4, NM_145332.3, NM_145333.3); short protein forms S192R.
Identifiers: ClinVar variation 3726287 (VCV003726287.2).
Genomic context (GRCh38, chr6:90,556,531, plus strand): 5'-TCAAACATACCATACTTTTGCCATTTTACCTTCAAAAACTTCAGGTGCCATCCAAGCAGC[A>T]CTCCCCTTGTTATTGGTCATGTGTGTCTGAATGTCACAGGCTGTACCAAAATCACAAATT-3'
Protein context (NP_663304.1, residues 182-202): IQTHMTNNKG[Ser192Arg]AAWMAPEVFE

ClinVar aggregate classification (germline): Uncertain significance (1 of 4 stars; one submission).

Submission:

Labcorp Genetics (formerly Invitae), Labcorp
Classification: Uncertain significance. Last evaluated: 2024-12-05. Review status: criteria provided, single submitter. Criteria: Invitae Variant Classification Sherloc (09022015). Collection method: clinical testing. Allele origin: germline.
Comment: This sequence change replaces serine, which is neutral and polar, with arginine, which is basic and polar, at codon 192 of the MAP3K7 protein (p.Ser192Arg). This variant is not present in population databases (gnomAD no frequency). This variant has not been reported in the literature in individuals affected with MAP3K7-related conditions. An algorithm developed to predict the effect of missense changes on protein structure and function (PolyPhen-2) suggests that this variant is likely to be disruptive. In summary, the available evidence is currently insufficient to determine the role of this variant in disease. Therefore, it has been classified as a Variant of Uncertain Significance.